The following is an entry in ClinVar:

NM_004055.5(CAPN5):c.1807A>G (p.Asn603Asp)

Gene: CAPN5 (calpain 5; plus strand). Cytogenetic location: 11q13.5.
Variant type: single nucleotide variant.
Coding change: c.1807A>G on transcript NM_004055.5 (MANE Select); coding-DNA position 1807, A replaced by G.
Protein change: p.Asn603Asp; replaces asparagine 603 with aspartic acid.
Molecular consequence: missense variant.
Genome position (GRCh38, 1-based): chr11:77,123,754, A>G. VCF-style: chr11-77123754-A-G. GRCh37 (hg19) VCF-style: chr11-76834800-A-G.
Other names: short protein forms N603D.
Identifiers: ClinVar variation 1901234 (VCV001901234.5), dbSNP rs781969027, ClinGen allele CA6196922.
Genomic context (GRCh38, chr11:77,123,754, plus strand): 5'-AACCACCGAGTGCTGAAGGATGAATTTCTGGGCCAGGTGCACCTAAAGGCTGACCCGGAC[A>G]ACCTCCAGGCCCTGCATACCCTCCACCTCCGGGACCGAAATAGCCGGCAGCCCAGCAACC-3'
Protein context (NP_004046.2, residues 593-613): GQVHLKADPD[Asn603Asp]LQALHTLHLR

ClinVar aggregate classification (germline): Uncertain significance (1 of 4 stars; one submission).

Allele frequency attached by ClinVar (database versions not stated): TOPMed below 0.00001; ExAC 0.00001; gnomAD 0.00001; gnomAD exomes 0.00001.
gnomAD v4.1: 11 of 1,613,774 alleles (0.00068%); highest among the groups gnomAD compares: Middle Eastern, 0.016%; no homozygotes.

Submission:

Labcorp Genetics (formerly Invitae), Labcorp
Classification: Uncertain significance. Last evaluated: 2025-03-03. Review status: criteria provided, single submitter. Criteria: Invitae Variant Classification Sherloc (09022015). Collection method: clinical testing. Allele origin: germline.
Comment: This sequence change replaces asparagine, which is neutral and polar, with aspartic acid, which is acidic and polar, at codon 603 of the CAPN5 protein (p.Asn603Asp). This variant is present in population databases (rs781969027, gnomAD 0.002%). This variant has not been reported in the literature in individuals affected with CAPN5-related conditions. ClinVar contains an entry for this variant (Variation ID: 1901234). An algorithm developed to predict the effect of missense changes on protein structure and function outputs the following: PolyPhen-2: "Benign". The aspartic acid amino acid residue is found in multiple mammalian species, which suggests that this missense change does not adversely affect protein function. In summary, the available evidence is currently insufficient to determine the role of this variant in disease. Therefore, it has been classified as a Variant of Uncertain Significance.